The following is an entry in ClinVar:

NM_000038.6(APC):c.6245A>T (p.Asp2082Val)

Gene: APC (APC regulator of Wnt signaling pathway; plus strand). Cytogenetic location: 5q22.2.
Variant type: single nucleotide variant.
Coding change: c.6245A>T on transcript NM_000038.6 (MANE Select); coding-DNA position 6245, A replaced by T.
Protein change: p.Asp2082Val; replaces aspartic acid 2082 with valine.
Molecular consequence: missense variant.
Genome position (GRCh38, 1-based): chr5:112,841,839, A>T. VCF-style: chr5-112841839-A-T. GRCh37 (hg19) VCF-style: chr5-112177536-A-T.
Other names: c.6245A>T, p.Asp2082Val (NM_001127510.3, NM_001354895.2, NM_001407450.1); c.6191A>T, p.Asp2064Val (NM_001127511.3); c.6299A>T, p.Asp2100Val (NM_001354896.2, NM_001407447.1, NM_001407448.1 and 1 more transcripts); c.6275A>T, p.Asp2092Val (NM_001354897.2); c.6170A>T, p.Asp2057Val (NM_001354898.2); c.6161A>T, p.Asp2054Val (NM_001354899.2); c.6122A>T, p.Asp2041Val (NM_001354900.2); c.6068A>T, p.Asp2023Val (NM_001354901.2, NM_001407453.1); and 11 more; short protein forms D1953V, D2023V, D2041V, D2064V, D2100V, D1799V, D1956V, D1981V.
Identifiers: ClinVar variation 1752397 (VCV001752397.2), dbSNP rs554370603, ClinGen allele CA16035010.

ClinVar aggregate classification (germline): Uncertain significance (1 of 4 stars; one submission).

Conditions:
Hereditary cancer-predisposing syndrome. Also called: Hereditary Cancer Syndrome; Hereditary neoplastic syndrome; Neoplastic Syndromes, Hereditary; Tumor predisposition. Identifiers: Orphanet 140162, MedGen C0027672, MeSH D009386, MONDO:0015356.

Submission:

Ambry Genetics
Classification: Uncertain significance for Hereditary cancer-predisposing syndrome. Last evaluated: 2019-09-09. Review status: criteria provided, single submitter. Criteria: Ambry Variant Classification Scheme 2023. Collection method: clinical testing. Allele origin: germline.
Comment: The p.D2082V variant (also known as c.6245A>T), located in coding exon 15 of the APC gene, results from an A to T substitution at nucleotide position 6245. The aspartic acid at codon 2082 is replaced by valine, an amino acid with highly dissimilar properties. This amino acid position is well conserved in available vertebrate species. In addition, in silico predictors for this gene do not accurately predict pathogenicity. Since supporting evidence is limited at this time, the clinical significance of this alteration remains unclear.